The following is an entry in ClinVar:

ClinVar aggregate classification (germline): Uncertain significance (1 of 4 stars; one submission).

Conditions:
KCNQ3-related disorder. Also called: KCNQ3-related condition; KCNQ3-Related Disorders. Identifiers: MedGen CN381530.

Submission:

PreventionGenetics, part of Exact Sciences
Classification: Uncertain significance for KCNQ3-related condition. Last evaluated: 2026-01-29. Review status: criteria provided, single submitter. Criteria: ACMG Guidelines, 2015. Collection method: clinical testing. Allele origin: germline.
Comment: The KCNQ3 c.730G>A variant is predicted to result in the amino acid substitution p.Gly244Ser. To our knowledge, this variant has not been reported in the literature or in a large population database (gnomAD), indicating this variant is rare. At this time, the clinical significance of this variant is uncertain due to the absence of conclusive functional and genetic evidence.

NM_004519.4(KCNQ3):c.730G>A (p.Gly244Ser)

Gene: KCNQ3 (potassium voltage-gated channel subfamily Q member 3; minus strand). Cytogenetic location: 8q24.22.
Variant type: single nucleotide variant.
Coding change: c.730G>A on transcript NM_004519.4 (MANE Select); coding-DNA position 730, G replaced by A.
Protein change: p.Gly244Ser; replaces glycine 244 with serine.
Molecular consequence: missense variant.
Genome position (GRCh38, 1-based): chr8:132,180,204, C>T on the plus strand (G>A on the coding strand, the complement: KCNQ3 is on the minus strand). VCF-style: chr8-132180204-C-T. GRCh37 (hg19) VCF-style: chr8-133192451-C-T.
Other names: c.370G>A, p.Gly124Ser (NM_001204824.2); short protein forms G124S, G244S.
Identifiers: ClinVar variation 4995716 (VCV004995716.1).